The following is an entry in ClinVar:

ClinVar aggregate classification (germline): Uncertain significance (1 of 4 stars; one submission).

Submission:

Labcorp Genetics (formerly Invitae), Labcorp
Classification: Uncertain significance. Last evaluated: 2024-11-11. Review status: criteria provided, single submitter. Criteria: Invitae Variant Classification Sherloc (09022015). Collection method: clinical testing. Allele origin: germline.
Comment: This variant, c.2156_2158del, results in the deletion of 1 amino acid(s) of the VCAN protein (p.Glu719del), but otherwise preserves the integrity of the reading frame. This variant is present in population databases (rs762012030, gnomAD 0.04%), and has an allele count higher than expected for a pathogenic variant. This variant has not been reported in the literature in individuals affected with VCAN-related conditions. Experimental studies and prediction algorithms are not available or were not evaluated, and the functional significance of this variant is currently unknown. In summary, the available evidence is currently insufficient to determine the role of this variant in disease. Therefore, it has been classified as a Variant of Uncertain Significance.

NM_004385.5(VCAN):c.2150AAG[2] (p.Glu719del)

Gene: VCAN (versican; plus strand). Cytogenetic location: 5q14.3.
Variant type: Microsatellite.
Coding change: c.2150AAG[2] on transcript NM_004385.5 (MANE Select); two copies in a row of the 3-base unit AAG starting at c.2150; the reference has three copies in a row; one copy, 3 bases deleted.
Protein change: p.Glu719del; deletes glutamic acid 719.
Molecular consequence: inframe deletion. On other transcripts: intron variant (2).
Genome position (GRCh38, 1-based): chr5:83,520,462-83,520,464, AAG deleted; deleting any 3 consecutive bases within chr5:83,520,454-83,520,464 gives the same sequence; the position shown is the placement nearest the transcript's 3' end. VCF-style (leftmost placement, unchanged base first): chr5-83520453-CAGA-C. GRCh37 (hg19) VCF-style: chr5-82816272-CAGA-C.
Other names: c.2150AAG[2], p.Glu719del (NM_001164098.2); c.1042+8058AGA[2] (NM_001164097.2, NM_001126336.3); short protein forms E719del.
Identifiers: ClinVar variation 1460630 (VCV001460630.6), dbSNP rs762012030, ClinGen allele CA3332797.